The following is an entry in ClinVar:

ClinVar aggregate classification (germline): Uncertain significance (1 of 4 stars; one submission).

Conditions:
HNSHA due to aldolase A deficiency (GSD12). Also called: GLYCOGEN STORAGE DISEASE XII; GSD XII; RED CELL ALDOLASE DEFICIENCY; Glycogen storage disease due to aldolase A deficiency. Identifiers: Orphanet 57, MedGen C0272066, MONDO:0012747, OMIM 611881.

Allele frequency attached by ClinVar (database versions not stated): ExAC 0.00004; gnomAD 0.00007; ESP Exome Variant Server 0.00031.
gnomAD v4.1: 20 of 1,614,134 alleles (0.0012%); highest among the groups gnomAD compares: African/African-American, 0.025%; no homozygotes.

Submission:

Labcorp Genetics (formerly Invitae), Labcorp
Classification: Uncertain significance for HNSHA due to aldolase A deficiency. Last evaluated: 2021-12-22. Review status: criteria provided, single submitter. Criteria: Invitae Variant Classification Sherloc (09022015). Collection method: clinical testing. Allele origin: germline.
Comment: This sequence change replaces valine, which is neutral and non-polar, with leucine, which is neutral and non-polar, at codon 151 of the ALDOA protein (p.Val151Leu). This variant is present in population databases (rs199655729, gnomAD 0.02%). This variant has not been reported in the literature in individuals affected with ALDOA-related conditions. Algorithms developed to predict the effect of missense changes on protein structure and function are either unavailable or do not agree on the potential impact of this missense change (SIFT: "Deleterious"; PolyPhen-2: "Probably Damaging"; Align-GVGD: "Class C0"). In summary, the available evidence is currently insufficient to determine the role of this variant in disease. Therefore, it has been classified as a Variant of Uncertain Significance.

NM_001243177.4(ALDOA):c.613G>T (p.Val205Leu)

Genes: ALDOA (aldolase, fructose-bisphosphate A; plus strand), LOC112694756 (uncharaterized LOC112694756; plus strand). Cytogenetic location: 16p11.2.
Variant type: single nucleotide variant.
Coding change: c.613G>T on transcript NM_001243177.4 (MANE Select); coding-DNA position 613, G replaced by T.
Protein change: p.Val205Leu; replaces valine 205 with leucine.
Molecular consequence: missense variant. On other transcripts: 3 prime UTR variant (3).
Genome position (GRCh38, 1-based): chr16:30,068,889, G>T. VCF-style: chr16-30068889-G-T. GRCh37 (hg19) VCF-style: chr16-30080210-G-T.
Other names: c.*960G>T (NM_001365304.2, NM_001365305.2, NM_001365307.2); c.451G>T, p.Val151Leu (NM_001127617.2, NM_184041.5, NM_184043.2); short protein forms V151L, V205L.
Identifiers: ClinVar variation 2154554 (VCV002154554.1), dbSNP rs199655729, ClinGen allele CA8001004.